The following is an entry in ClinVar:

ClinVar aggregate classification (germline): Uncertain significance (1 of 4 stars; one submission).

Conditions:
Inborn genetic diseases. Identifiers: MedGen C0950123, MeSH D030342.

Submission:

Ambry Genetics
Classification: Uncertain significance for Inborn genetic diseases. Last evaluated: 2026-06-05. Review status: criteria provided, single submitter. Criteria: Ambry Variant Classification Scheme 2023. Collection method: clinical testing. Allele origin: germline.
Comment: The c.2593C>T (p.L865F) alteration is located in exon 21 (coding exon 20) of the CHD2 gene. This alteration results from a C to T substitution at nucleotide position 2593, causing the leucine (L) at amino acid position 865 to be replaced by a phenylalanine (F). This variant was not reported in population-based cohorts in the Genome Aggregation Database (gnomAD). This variant was determined to be de novo in at least one individual with features consistent with CHD2-related developmental and epileptic encephalopathy (Feng, 2022). This amino acid position is highly conserved in available vertebrate species. This missense variant is located in a region that has a low rate of benign missense variation (Lek, 2016; Firth, 2009). RNA studies have demonstrated that this variant does not result in abnormal splicing in the set of samples tested (Ambry internal data). This alteration is predicted to be deleterious by in silico analysis. Additionally, in silico splice site analysis predicts that this alteration may result in the creation or strengthening of a novel splice acceptor site. Based on insufficient or conflicting evidence, the clinical significance of this alteration remains unclear.

Literature cited by the submitters: PubMed 35774528.

NM_001271.4(CHD2):c.2593C>T (p.Leu865Phe)

Gene: CHD2 (chromodomain helicase DNA binding protein 2; plus strand). Cytogenetic location: 15q26.1.
Variant type: single nucleotide variant.
Coding change: c.2593C>T on transcript NM_001271.4 (MANE Select); coding-DNA position 2593, C replaced by T.
Protein change: p.Leu865Phe; replaces leucine 865 with phenylalanine.
Molecular consequence: missense variant.
Genome position (GRCh38, 1-based): chr15:92,978,249, C>T. VCF-style: chr15-92978249-C-T. GRCh37 (hg19) VCF-style: chr15-93521479-C-T.
Other names: short protein forms L865F.
Identifiers: ClinVar variation 4868876 (VCV004868876.1).
Genomic context (GRCh38, chr15:92,978,249, plus strand): 5'-TCTGAGAAGGCCACTGCATAAAGTAGTATATTGCATTGTGTACAGGACTTCTGTTTCCTG[C>T]TCTCGACAAGGGCTGGTGGCCTGGGAATCAATTTGGCTTCAGCGGACACAGTCGTCATCT-3'
Protein context (NP_001262.3, residues 855-875): ADGSEDFCFL[Leu865Phe]STRAGGLGIN